The following is an entry in ClinVar:

ClinVar aggregate classification (germline): Conflicting classifications of pathogenicity. Review status: criteria provided, conflicting classifications (1 of 4 stars). 2 submissions from 2 submitters: Uncertain significance (1); Likely benign (1). Last evaluated 2026-01-24.

Conditions:
Melnick-Needles syndrome (MNS). Also called: MELNICK-NEEDLES OSTEODYSPLASTY; Melnick-Needles Syndrome (FLNA-MNS); OSTEODYSPLASTY OF MELNICK AND NEEDLES. Identifiers: Orphanet 2484, MedGen C0025237, MONDO:0010650, OMIM 309350.
Frontometaphyseal dysplasia (FMD1). Identifiers: Orphanet 1826, MedGen C0265293, MONDO:0015942.
Heterotopia, periventricular, X-linked dominant (PVNH1). Also called: PERIVENTRICULAR NODULAR HETEROTOPIA 4; HETEROTOPIA, PERIVENTRICULAR, 1; PERIVENTRICULAR NODULAR HETEROTOPIA 1; X-linked periventricular heterotopia. Identifiers: Orphanet 2149, Orphanet 82004, MedGen C1848213, MONDO:0010233, OMIM 300049.
Oto-palato-digital syndrome, type II (OPD2). Also called: Otopalatodigital Syndrome Type 2 (FLNA-OPD2); FACIOPALATOOSSEOUS SYNDROME; OPD II SYNDROME; Otopalatodigital Syndrome, Type II. Identifiers: Orphanet 669, Orphanet 90652, MedGen C1844696, MONDO:0010571, OMIM 304120.
Familial thoracic aortic aneurysm and aortic dissection (TAAD). Also called: Thoracic aortic aneurysms and dissections. Identifiers: Orphanet 91387, MedGen C4707243, MONDO:0019625.

gnomAD v4.1: 2 of 1,211,350 alleles (0.00017%); highest among the groups gnomAD compares: Non-Finnish European, 0.00022%; no homozygotes.

Submissions (2):

Ambry Genetics
Classification: Uncertain significance for Familial thoracic aortic aneurysm and aortic dissection. Last evaluated: 2026-01-24. Review status: criteria provided, single submitter. Criteria: Ambry Variant Classification Scheme 2023. Collection method: clinical testing. Allele origin: germline.
Comment: The p.P1482S variant (also known as c.4444C>T), located in coding exon 25 of the FLNA gene, results from a C to T substitution at nucleotide position 4444. The proline at codon 1482 is replaced by serine, an amino acid with similar properties. This amino acid position is conserved. In addition, the in silico prediction for this alteration is inconclusive. Based on data from gnomAD, the T allele has an overall frequency of 0.0006% (1/181576) total alleles studied, with 0 hemizygotes observed. The highest observed frequency was 0.0012% (1/81359) of European (non-Finnish) alleles. Based on the available evidence, the clinical significance of this variant remains unclear.

Labcorp Genetics (formerly Invitae), Labcorp
Classification: Likely benign for Oto-palato-digital syndrome, type II; Heterotopia, periventricular, X-linked dominant; Frontometaphyseal dysplasia; Melnick-Needles syndrome. Last evaluated: 2025-12-30. Review status: criteria provided, single submitter. Criteria: Invitae Variant Classification Sherloc (09022015). Collection method: clinical testing. Allele origin: germline.

NM_001110556.2(FLNA):c.4444C>T (p.Pro1482Ser)

Gene: FLNA (filamin A; minus strand). Cytogenetic location: Xq28.
Variant type: single nucleotide variant.
Coding change: c.4444C>T on transcript NM_001110556.2 (MANE Select); coding-DNA position 4444, C replaced by T.
Protein change: p.Pro1482Ser; replaces proline 1482 with serine.
Molecular consequence: missense variant.
Genome position (GRCh38, 1-based): chrX:154,359,014, G>A on the plus strand (C>T on the coding strand, the complement: FLNA is on the minus strand). VCF-style: chrX-154359014-G-A. GRCh37 (hg19) VCF-style: chrX-153587382-G-A.
Other names: c.4444C>T, p.Pro1482Ser (NM_001456.4); short protein forms P1482S.
Identifiers: ClinVar variation 533574 (VCV000533574.10), dbSNP rs782349011, ClinGen allele CA10560530.